The following is an entry in ClinVar:

NM_000465.4(BARD1):c.364+9T>C

Gene: BARD1 (BRCA1 associated RING domain 1; minus strand). Cytogenetic location: 2q35.
Variant type: single nucleotide variant.
Coding change: c.364+9T>C on transcript NM_000465.4 (MANE Select); 9 bases into the intron after coding-DNA position 364, T replaced by C.
Molecular consequence: intron variant.
Genome position (GRCh38, 1-based): chr2:214,792,288, A>G on the plus strand (T>C on the coding strand, the complement: BARD1 is on the minus strand). VCF-style: chr2-214792288-A-G. GRCh37 (hg19) VCF-style: chr2-215657012-A-G.
Other names: c.158+17124T>C (NM_001282548.2); c.307+9T>C (NM_001282543.2); c.215+4773T>C (NM_001282545.2); c.364+9T>C (NM_001282549.2, LRG_297t1).
Identifiers: ClinVar variation 389453 (VCV000389453.16), dbSNP rs1057523433, ClinGen allele CA16604378.
Genomic context (GRCh38, chr2:214,792,288, plus strand): 5'-CTTTATGAATATGAATTCATCAGTTTTTAACTGATGAATTTAACTAAGAGAGATAGGGAT[A>G]GTTCTTACCTGACAGCTCATTGTCATGTAGCAAATTTCGAAGCTTACTACAAAGTTGAAT-3'

ClinVar aggregate classification (germline): Likely benign. Review status: criteria provided, multiple submitters, no conflicts (2 of 4 stars). 4 submissions from 4 submitters: Likely benign (4). Last evaluated 2025-09-27.

Conditions:
Hereditary cancer-predisposing syndrome. Also called: Hereditary Cancer Syndrome; Hereditary neoplastic syndrome; Neoplastic Syndromes, Hereditary; Tumor predisposition. Identifiers: Orphanet 140162, MedGen C0027672, MeSH D009386, MONDO:0015356.
Familial cancer of breast. Also called: Hereditary breast cancer; hereditary breast carcinoma; BREAST CANCER, FAMILIAL. Identifiers: Orphanet 227535, MedGen C0346153, MONDO:0016419, OMIM 114480. Disease mechanism: loss of function.

Submissions (4):

Labcorp Genetics (formerly Invitae), Labcorp
Classification: Likely benign for Familial cancer of breast. Last evaluated: 2025-09-27. Review status: criteria provided, single submitter. Criteria: Invitae Variant Classification Sherloc (09022015). Collection method: clinical testing. Allele origin: germline.

Myriad Genetics, Inc.
Classification: Likely benign for Familial cancer of breast. Last evaluated: 2024-07-19. Review status: criteria provided, single submitter. Criteria: Myriad Autosomal Dominant, Autosomal Recessive and X-Linked Classification Criteria (2023). Collection method: clinical testing. Allele origin: unknown.
Comment: This variant is considered likely benign. This variant is intronic and is not expected to impact mRNA splicing.

Color Diagnostics, LLC DBA Color Health
Classification: Likely benign for Hereditary cancer-predisposing syndrome. Last evaluated: 2018-09-24. Review status: criteria provided, single submitter. Criteria: ACMG Guidelines, 2015. Collection method: clinical testing. Allele origin: germline.

GeneDx
Classification: Likely benign. Last evaluated: 2016-09-16. Review status: criteria provided, single submitter. Criteria: GeneDx Variant Classification (06012015). Collection method: clinical testing. Allele origin: germline. Affected: yes.
Comment: This variant is considered likely benign or benign based on one or more of the following criteria: it is a conservative change, it occurs at a poorly conserved position in the protein, it is predicted to be benign by multiple in silico algorithms, and/or has population frequency not consistent with disease.